The following is an entry in ClinVar:

ClinVar aggregate classification (germline): Uncertain significance (1 of 4 stars; one submission).

Conditions:
Hereditary spastic paraplegia 9A. Also called: SPASTIC PARAPLEGIA 9A, AUTOSOMAL DOMINANT; CATARACTS WITH MOTOR NEURONOPATHY, SHORT STATURE, AND SKELETAL ABNORMALITIES; SPASTIC PARAPARESIS WITH AMYOTROPHY, CATARACTS, AND GASTROESOPHAGEAL REFLUX. Identifiers: Orphanet 100990, Orphanet 447753, MedGen C5568978, MONDO:0011006, OMIM 601162.

gnomAD v4.1: 10 of 1,606,512 alleles (0.00062%); highest among the groups gnomAD compares: Non-Finnish European, 0.00076%; no homozygotes.

Submission:

3billion
Classification: Uncertain significance for Hereditary spastic paraplegia 9A. Last evaluated: 2023-08-21. Review status: criteria provided, single submitter. Criteria: ACMG Guidelines, 2015. Collection method: clinical testing. Allele origin: germline. Affected: yes.
Comment: The variant is observed at an extremely low frequency in the gnomAD v2.1.1 dataset (total allele frequency: 0.000%). Predicted Consequence/Location: Missense variant In silico tool predictions suggest damaging effect of the variant on gene or gene product [REVEL: 0.89 (>=0.6, sensitivity 0.68 and specificity 0.92)]. Therefore, this variant is classified as VUS according to the recommendation of ACMG/AMP guideline.

NM_002860.4(ALDH18A1):c.1502T>C (p.Leu501Ser)

Gene: ALDH18A1 (aldehyde dehydrogenase 18 family member A1; minus strand). Cytogenetic location: 10q24.1.
Variant type: single nucleotide variant.
Coding change: c.1502T>C on transcript NM_002860.4 (MANE Select); coding-DNA position 1502, T replaced by C.
Protein change: p.Leu501Ser; replaces leucine 501 with serine.
Molecular consequence: missense variant.
Genome position (GRCh38, 1-based): chr10:95,616,580, A>G on the plus strand (T>C on the coding strand, the complement: ALDH18A1 is on the minus strand). VCF-style: chr10-95616580-A-G. GRCh37 (hg19) VCF-style: chr10-97376337-A-G.
Other names: c.1496T>C, p.Leu499Ser (NM_001017423.2, NM_001323415.2); c.1169T>C, p.Leu390Ser (NM_001323412.2, NM_001323416.2); c.1502T>C, p.Leu501Ser (NM_001323413.2, NM_001323414.2); c.1397T>C, p.Leu466Ser (NM_001323417.2); c.1163T>C, p.Leu388Ser (NM_001323418.2); c.866T>C, p.Leu289Ser (NM_001323419.2); short protein forms L289S, L388S, L390S, L466S, L499S, L501S.
Identifiers: ClinVar variation 3775237 (VCV003775237.1).